The following is an entry in ClinVar:

ClinVar aggregate classification (germline): Conflicting classifications of pathogenicity. Review status: criteria provided, conflicting classifications (1 of 4 stars). 3 submissions from 3 submitters: Uncertain significance (2); Likely benign (1). Last evaluated 2026-02-12.

Conditions:
Cardiovascular phenotype. Identifiers: MedGen CN230736.
Dilated cardiomyopathy 1DD (CMD1DD). Identifiers: Orphanet 154, MedGen C2750995, MONDO:0013168, OMIM 613172.

Allele frequency attached by ClinVar (database versions not stated): gnomAD exomes 0.00001.
gnomAD v4.1: 11 of 1,551,440 alleles (0.00071%); highest among the groups gnomAD compares: South Asian, 0.0048%; no homozygotes.

Submissions (3):

Ambry Genetics
Classification: Likely benign for Cardiovascular phenotype. Last evaluated: 2026-02-12. Review status: criteria provided, single submitter. Criteria: Ambry Variant Classification Scheme 2023. Collection method: clinical testing. Allele origin: germline.

Labcorp Genetics (formerly Invitae), Labcorp
Classification: Uncertain significance for Dilated cardiomyopathy 1DD. Last evaluated: 2025-12-16. Review status: criteria provided, single submitter. Criteria: Invitae Variant Classification Sherloc (09022015). Collection method: clinical testing. Allele origin: germline.
Comment: This sequence change replaces alanine, which is neutral and non-polar, with threonine, which is neutral and polar, at codon 462 of the RBM20 protein (p.Ala462Thr). This variant is present in population databases (no rsID available, gnomAD 0.002%). This variant has not been reported in the literature in individuals affected with RBM20-related conditions. ClinVar contains an entry for this variant (Variation ID: 1000718). Invitae Evidence Modeling of protein sequence and biophysical properties (such as structural, functional, and spatial information, amino acid conservation, physicochemical variation, residue mobility, and thermodynamic stability) indicates that this missense variant is not expected to disrupt RBM20 protein function with a negative predictive value of 95%. In summary, the available evidence is currently insufficient to determine the role of this variant in disease. Therefore, it has been classified as a Variant of Uncertain Significance.

Blueprint Genetics
Classification: Uncertain significance. Last evaluated: 2023-12-14. Review status: criteria provided, single submitter. Criteria: ACMG Guidelines, 2015. Collection method: clinical testing. Allele origin: germline.

Literature cited by the submitters: PubMed 33954932 (cited by Ambry Genetics); PubMed 39068400 (cited by Ambry Genetics); PubMed 39482628 (cited by Ambry Genetics).

NM_001134363.3(RBM20):c.1384G>A (p.Ala462Thr)

Gene: RBM20 (RNA binding motif protein 20; plus strand). Cytogenetic location: 10q25.2.
Variant type: single nucleotide variant.
Coding change: c.1384G>A on transcript NM_001134363.3 (MANE Select); coding-DNA position 1384, G replaced by A.
Protein change: p.Ala462Thr; replaces alanine 462 with threonine.
Molecular consequence: missense variant.
Genome position (GRCh38, 1-based): chr10:110,784,387, G>A. VCF-style: chr10-110784387-G-A. GRCh37 (hg19) VCF-style: chr10-112544145-G-A.
Other names: c.1384G>A (NM_001134363.1); short protein forms A462T.
Identifiers: ClinVar variation 1000718 (VCV001000718.10), dbSNP rs1285889652, ClinGen allele CA378387811.